The following is an entry in ClinVar:

ClinVar aggregate classification (germline): Conflicting classifications of pathogenicity. Review status: criteria provided, conflicting classifications (1 of 4 stars). 3 submissions from 3 submitters: Uncertain significance (2); Likely benign (1). Last evaluated 2024-08-01.

Conditions:
Inborn genetic diseases. Identifiers: MedGen C0950123, MeSH D030342.

Allele frequency attached by ClinVar (database versions not stated): gnomAD 0.00002; TOPMed 0.00002; gnomAD exomes 0.00004; ExAC 0.00008.
gnomAD v4.1: 73 of 1,607,418 alleles (0.0045%); highest among the groups gnomAD compares: Middle Eastern, 0.033%; no homozygotes.

Submissions (3):

Ambry Genetics
Classification: Likely benign for Inborn genetic diseases. Last evaluated: 2024-08-01. Review status: criteria provided, single submitter. Criteria: Ambry Variant Classification Scheme 2023. Collection method: clinical testing. Allele origin: germline.

GeneDx
Classification: Uncertain significance. Last evaluated: 2023-03-30. Review status: criteria provided, single submitter. Criteria: GeneDx Variant Classification Process June 2021. Collection method: clinical testing. Allele origin: germline. Affected: yes.
Comment: Not observed at significant frequency in large population cohorts (gnomAD); In silico analysis supports that this missense variant does not alter protein structure/function; Has not been previously published as pathogenic or benign to our knowledge

Labcorp Genetics (formerly Invitae), Labcorp
Classification: Uncertain significance. Last evaluated: 2022-07-01. Review status: criteria provided, single submitter. Criteria: Invitae Variant Classification Sherloc (09022015). Collection method: clinical testing. Allele origin: germline.
Comment: This sequence change replaces alanine, which is neutral and non-polar, with threonine, which is neutral and polar, at codon 331 of the KATNB1 protein (p.Ala331Thr). This variant is present in population databases (rs782659039, gnomAD 0.007%). This variant has not been reported in the literature in individuals affected with KATNB1-related conditions. Advanced modeling of protein sequence and biophysical properties (such as structural, functional, and spatial information, amino acid conservation, physicochemical variation, residue mobility, and thermodynamic stability) performed at Invitae indicates that this missense variant is not expected to disrupt KATNB1 protein function. In summary, the available evidence is currently insufficient to determine the role of this variant in disease. Therefore, it has been classified as a Variant of Uncertain Significance.

NM_005886.3(KATNB1):c.991G>A (p.Ala331Thr)

Gene: KATNB1 (katanin regulatory subunit B1; plus strand). Cytogenetic location: 16q21.
Variant type: single nucleotide variant.
Coding change: c.991G>A on transcript NM_005886.3 (MANE Select); coding-DNA position 991, G replaced by A.
Protein change: p.Ala331Thr; replaces alanine 331 with threonine.
Molecular consequence: missense variant.
Genome position (GRCh38, 1-based): chr16:57,753,212, G>A. VCF-style: chr16-57753212-G-A. GRCh37 (hg19) VCF-style: chr16-57787124-G-A.
Other names: c.991G>A (NM_005886.2); short protein forms A331T.
Identifiers: ClinVar variation 2168630 (VCV002168630.6), dbSNP rs782659039, ClinGen allele CA8080965.